The following is an entry in ClinVar:

ClinVar aggregate classification (germline): Uncertain significance. Review status: criteria provided, multiple submitters, no conflicts (2 of 4 stars). 3 submissions from 3 submitters: Uncertain significance (3). Last evaluated 2024-05-15.

Conditions:
Inborn genetic diseases. Identifiers: MedGen C0950123, MeSH D030342.
Fanconi anemia (FA). Also called: Fanconi's anemia. Identifiers: Orphanet 84, MedGen C0015625, MeSH D005199, MONDO:0019391.
Fanconi anemia complementation group L (FANCL). Also called: FANCL-Related Fanconi Anemia. Identifiers: Orphanet 84, MedGen C3469528, MONDO:0013566, OMIM 614083.

Allele frequency attached by ClinVar (database versions not stated): gnomAD exomes 0.00001; ExAC 0.00002; gnomAD 0.00003 and 0.00004; TOPMed 0.00003.
gnomAD v4.1: 8 of 1,612,790 alleles (0.0005%); highest among the groups gnomAD compares: African/African-American, 0.011%; no homozygotes.

Submissions (3):

Fulgent Genetics
Classification: Uncertain significance for Fanconi anemia complementation group L. Last evaluated: 2024-05-15. Review status: criteria provided, single submitter. Criteria: ACMG Guidelines, 2015. Collection method: clinical testing. Allele origin: germline.

Labcorp Genetics (formerly Invitae), Labcorp
Classification: Uncertain significance for Fanconi anemia. Last evaluated: 2023-12-18. Review status: criteria provided, single submitter. Criteria: Invitae Variant Classification Sherloc (09022015). Collection method: clinical testing. Allele origin: germline.
Comment: This sequence change replaces glutamine, which is neutral and polar, with histidine, which is basic and polar, at codon 350 of the FANCL protein (p.Gln350His). This variant is present in population databases (rs760542163, gnomAD 0.02%). This variant has not been reported in the literature in individuals affected with FANCL-related conditions. ClinVar contains an entry for this variant (Variation ID: 947751). Advanced modeling of protein sequence and biophysical properties (such as structural, functional, and spatial information, amino acid conservation, physicochemical variation, residue mobility, and thermodynamic stability) performed at Invitae indicates that this missense variant is expected to disrupt FANCL protein function with a positive predictive value of 80%. In summary, the available evidence is currently insufficient to determine the role of this variant in disease. Therefore, it has been classified as a Variant of Uncertain Significance.

Ambry Genetics
Classification: Uncertain significance for Inborn genetic diseases. Last evaluated: 2023-02-06. Review status: criteria provided, single submitter. Criteria: Ambry Variant Classification Scheme 2023. Collection method: clinical testing. Allele origin: germline.

NM_018062.4(FANCL):c.1050G>T (p.Gln350His)

Gene: FANCL (FA complementation group L; minus strand). Cytogenetic location: 2p16.1.
Variant type: single nucleotide variant.
Coding change: c.1050G>T on transcript NM_018062.4 (MANE Select); coding-DNA position 1050, G replaced by T.
Protein change: p.Gln350His; replaces glutamine 350 with histidine.
Molecular consequence: missense variant.
Genome position (GRCh38, 1-based): chr2:58,160,150, C>A on the plus strand (G>T on the coding strand, the complement: FANCL is on the minus strand). VCF-style: chr2-58160150-C-A. GRCh37 (hg19) VCF-style: chr2-58387285-C-A.
Other names: c.1065G>T, p.Gln355His (NM_001114636.2); c.1095G>T, p.Gln365His (NM_001374615.1); c.1110G>T, p.Gln370His (NM_001410792.1); short protein forms Q350H, Q355H, Q365H, Q370H.
Identifiers: ClinVar variation 947751 (VCV000947751.8), dbSNP rs760542163, ClinGen allele CA1670323.
Genomic context (GRCh38, chr2:58,160,150, plus strand): 5'-GATTAACAATTTGCTTACCTTACTACAATATGGACATTCACCAAATATGATGTTAAAACT[C>A]TGTCTACTAGTTAGTAGTCCTCTCAGCCACTGCAAATTTTAAAAGATAAAGGAGAAGCGT-3'
Protein context (NP_060532.2, residues 340-360): EWLRGLLTSR[Gln350His]SFNIIFGECP